The following is an entry in ClinVar:

NM_004171.4(SLC1A2):c.850A>G (p.Ile284Val)

Gene: SLC1A2 (solute carrier family 1 member 2; minus strand). Cytogenetic location: 11p13.
Variant type: single nucleotide variant.
Coding change: c.850A>G on transcript NM_004171.4 (MANE Select); coding-DNA position 850, A replaced by G.
Protein change: p.Ile284Val; replaces isoleucine 284 with valine.
Molecular consequence: missense variant.
Genome position (GRCh38, 1-based): chr11:35,301,526, T>C on the plus strand (A>G on the coding strand, the complement: SLC1A2 is on the minus strand). VCF-style: chr11-35301526-T-C. GRCh37 (hg19) VCF-style: chr11-35323073-T-C.
Other names: c.823A>G, p.Ile275Val (NM_001195728.3, NM_001252652.2); short protein forms I275V, I284V.
Identifiers: ClinVar variation 1999548 (VCV001999548.4), dbSNP rs1414576568, ClinGen allele CA380125996.

ClinVar aggregate classification (germline): Uncertain significance (1 of 4 stars; one submission).

Submission:

Labcorp Genetics (formerly Invitae), Labcorp
Classification: Uncertain significance. Last evaluated: 2022-11-01. Review status: criteria provided, single submitter. Criteria: Invitae Variant Classification Sherloc (09022015). Collection method: clinical testing. Allele origin: germline.
Comment: In summary, the available evidence is currently insufficient to determine the role of this variant in disease. Therefore, it has been classified as a Variant of Uncertain Significance. Advanced modeling of protein sequence and biophysical properties (such as structural, functional, and spatial information, amino acid conservation, physicochemical variation, residue mobility, and thermodynamic stability) performed at Invitae indicates that this missense variant is not expected to disrupt SLC1A2 protein function. This variant has not been reported in the literature in individuals affected with SLC1A2-related conditions. This variant is not present in population databases (gnomAD no frequency). This sequence change replaces isoleucine, which is neutral and non-polar, with valine, which is neutral and non-polar, at codon 284 of the SLC1A2 protein (p.Ile284Val).